The following is an entry in ClinVar:

NM_002872.5(RAC2):c.448+25C>G

Genes: RAC2 (Rac family small GTPase 2; minus strand), LOC130067355 (ATAC-STARR-seq lymphoblastoid active region 18954; plus strand). Cytogenetic location: 22q13.1.
Variant type: single nucleotide variant.
Coding change: c.448+25C>G on transcript NM_002872.5 (MANE Select); 25 bases into the intron after coding-DNA position 448, C replaced by G.
Molecular consequence: intron variant.
Genome position (GRCh38, 1-based): chr22:37,231,206, G>C on the plus strand (C>G on the coding strand, the complement: RAC2 is on the minus strand). VCF-style: chr22-37231206-G-C. GRCh37 (hg19) VCF-style: chr22-37627246-G-C.
Identifiers: ClinVar variation 1327932 (VCV001327932.5), dbSNP rs9610683, ClinGen allele CA10217519.

ClinVar aggregate classification (germline): Benign. Review status: criteria provided, multiple submitters, no conflicts (2 of 4 stars). 5 submissions from 3 submitters: Benign (5). Last evaluated 2024-01-24.

Conditions:
Immunodeficiency 73b with defective neutrophil chemotaxis and lymphopenia. Identifiers: MedGen C5436549, MONDO:0033554, OMIM 618986.
Immunodeficiency 73c with defective neutrophil chemotaxis and hypogammaglobulinemia. Identifiers: MedGen C5436550, MONDO:0033555, OMIM 618987.
Neutrophil immunodeficiency syndrome. Also called: Immunodeficiency 73A with defective neutrophil chemotaxis and leukocytosis. Identifiers: Orphanet 183707, MedGen C1842398, MONDO:0011988, OMIM 608203.

Allele frequency attached by ClinVar (database versions not stated): 1000 Genomes Project 30x 0.38429; TOPMed 0.41175; ESP Exome Variant Server 0.41850; 1000 Genomes Project 0.38339.
gnomAD v4.1: 613,216 of 1,609,848 alleles (38%); highest among the groups gnomAD compares: African/African-American, 51%; 118,491 homozygotes.

Submissions (5):

Unidad de Genómica Garrahan, Hospital de Pediatría Garrahan
Classification: Benign. Last evaluated: 2024-01-24. Review status: criteria provided, single submitter. Criteria: ACMG Guidelines, 2015. Collection method: clinical testing. Allele origin: germline. Affected: no. Observed: 49 variant alleles.
Comment: This variant is classified as Benign based on local population frequency. This variant was detected in 52% of patients studied by a panel of primary immunodeficiencies. Number of patients: 49. Only high quality variants are reported.

Genome-Nilou Lab
Classification: Benign for Immunodeficiency 73c with defective neutrophil chemotaxis and hypogammaglobulinemia. Last evaluated: 2021-11-07. Review status: criteria provided, single submitter. Criteria: ACMG Guidelines, 2015. Collection method: clinical testing. Allele origin: germline. Affected: no.

Genome-Nilou Lab
Classification: Benign for Neutrophil immunodeficiency syndrome. Last evaluated: 2021-11-07. Review status: criteria provided, single submitter. Criteria: ACMG Guidelines, 2015. Collection method: clinical testing. Allele origin: germline. Affected: no.

Genome-Nilou Lab
Classification: Benign for Immunodeficiency 73b with defective neutrophil chemotaxis and lymphopenia. Last evaluated: 2021-11-07. Review status: criteria provided, single submitter. Criteria: ACMG Guidelines, 2015. Collection method: clinical testing. Allele origin: germline. Affected: no.

Breakthrough Genomics
Classification: Benign. Review status: criteria provided, single submitter. Criteria: ACMG Guidelines, 2015. Collection method: not provided. Allele origin: germline. Inheritance: Autosomal recessive inheritance. Affected: yes.